The following is an entry in ClinVar:

NM_080552.3(SLC32A1):c.64G>C (p.Ala22Pro)

Gene: SLC32A1 (solute carrier family 32 member 1; plus strand). Cytogenetic location: 20q11.23.
Variant type: single nucleotide variant.
Coding change: c.64G>C on transcript NM_080552.3 (MANE Select); coding-DNA position 64, G replaced by C.
Protein change: p.Ala22Pro; replaces alanine 22 with proline.
Molecular consequence: missense variant.
Genome position (GRCh38, 1-based): chr20:38,724,788, G>C. VCF-style: chr20-38724788-G-C. GRCh37 (hg19) VCF-style: chr20-37353431-G-C.
Other names: short protein forms A22P.
Identifiers: ClinVar variation 4282158 (VCV004282158.1).

ClinVar aggregate classification (germline): Uncertain significance (1 of 4 stars; one submission).

gnomAD v4.1: 1 of 1,613,916 alleles (0.000062%); highest among the groups gnomAD compares: Non-Finnish European, 0.000085%; no homozygotes.

Submission:

GeneDx
Classification: Uncertain significance. Last evaluated: 2025-04-13. Review status: criteria provided, single submitter. Criteria: GeneDx Variant Classification Process June 2021. Collection method: clinical testing. Allele origin: germline. Affected: yes.
Comment: Not observed at significant frequency in large population cohorts (gnomAD); In silico analysis indicates that this missense variant does not alter protein structure/function; Has not been previously published as pathogenic or benign to our knowledge